The following is an entry in ClinVar:

ClinVar aggregate classification (germline): Pathogenic. Review status: criteria provided, multiple submitters, no conflicts (2 of 4 stars). 2 submissions from 2 submitters: Pathogenic (2). Last evaluated 2024-03-13.

Conditions:
Hereditary cancer-predisposing syndrome. Also called: Neoplastic Syndromes, Hereditary; Tumor predisposition; Hereditary Cancer Syndrome; Hereditary neoplastic syndrome. Identifiers: Orphanet 140162, MedGen C0027672, MeSH D009386, MONDO:0015356.
Cardiovascular phenotype. Identifiers: MedGen CN230736.
Noonan syndrome 2 (NS2). Identifiers: Orphanet 648, MedGen C1854469, MONDO:0011531, OMIM 605275.

Allele frequency attached by ClinVar (database versions not stated): TOPMed below 0.00001.
gnomAD v4.1: 3 of 1,613,742 alleles (0.00019%); highest among the groups gnomAD compares: African/African-American, 0.0013%; no homozygotes.

Submissions (2):

3billion
Classification: Pathogenic for Noonan syndrome 2. Last evaluated: 2024-03-13. Review status: criteria provided, single submitter. Criteria: ACMG Guidelines, 2015. Collection method: clinical testing. Allele origin: germline. Affected: yes.
Comment: The variant is not observed in the gnomAD v2.1.1 dataset. Predicted Consequence/Location: Stop-gained (nonsense): predicted to result in a loss or disruption of normal protein function through nonsense-mediated decay (NMD) or protein truncation. Multiple pathogenic variants are reported downstream of the variant. The variant has been reported to be associated with LZTR1 related disorder (ClinVar ID: VCV001785966). Therefore, this variant is classified as Pathogenic according to the recommendation of ACMG/AMP guideline.

Ambry Genetics
Classification: Pathogenic for Cardiovascular phenotype; Hereditary cancer-predisposing syndrome. Last evaluated: 2020-11-12. Review status: criteria provided, single submitter. Criteria: Ambry Variant Classification Scheme 2023. Collection method: clinical testing. Allele origin: germline.
Comment: The p.E702* pathogenic mutation (also known as c.2104G>T), located in coding exon 18 of the LZTR1 gene, results from a G to T substitution at nucleotide position 2104. This changes the amino acid from a glutamic acid to a stop codon within coding exon 18. This alteration is expected to result in loss of function by premature protein truncation or nonsense-mediated mRNA decay. This variant was not reported in population-based cohorts in the Genome Aggregation Database (gnomAD). Based on the supporting evidence, this variant is expected to be pathogenic for an increased risk of schwannomas and would be expected to cause autosomal recessive Noonan syndrome when present along with a second pathogenic variant on the other allele.

NM_006767.4(LZTR1):c.2104G>T (p.Glu702Ter)

Gene: LZTR1 (leucine zipper like post translational regulator 1; plus strand). Cytogenetic location: 22q11.21.
Variant type: single nucleotide variant.
Coding change: c.2104G>T on transcript NM_006767.4 (MANE Select); coding-DNA position 2104, G replaced by T.
Protein change: p.Glu702Ter; replaces glutamic acid 702 with a stop codon.
Molecular consequence: nonsense.
Genome position (GRCh38, 1-based): chr22:20,995,997, G>T. VCF-style: chr22-20995997-G-T. GRCh37 (hg19) VCF-style: chr22-21350286-G-T.
Other names: short protein forms E702*.
Identifiers: ClinVar variation 1785966 (VCV001785966.3), dbSNP rs199765826, ClinGen allele CA410779325.